The following is an entry in ClinVar:

NM_001130987.2(DYSF):c.5608A>T (p.Thr1870Ser)

Gene: DYSF (dysferlin; plus strand). Cytogenetic location: 2p13.2.
Variant type: single nucleotide variant.
Coding change: c.5608A>T on transcript NM_001130987.2 (MANE Select); coding-DNA position 5608, A replaced by T.
Protein change: p.Thr1870Ser; replaces threonine 1870 with serine.
Molecular consequence: missense variant.
Genome position (GRCh38, 1-based): chr2:71,669,173, A>T. VCF-style: chr2-71669173-A-T. GRCh37 (hg19) VCF-style: chr2-71896303-A-T.
Other names: c.5494A>T, p.Thr1832Ser (NM_001130455.2); c.5449A>T, p.Thr1817Ser (NM_001130976.2); c.5452A>T, p.Thr1818Ser (NM_001130986.2); c.5491A>T, p.Thr1831Ser (NM_003494.4); c.5605A>T, p.Thr1869Ser (NM_001130981.2); c.5587A>T, p.Thr1863Ser (NM_001130982.2); c.5512A>T, p.Thr1838Ser (NM_001130977.2); c.5554A>T, p.Thr1852Ser (NM_001130978.2); and 5 more; short protein forms T1839S, T1818S, T1862S, T1869S, T1870S, T1832S, T1838S, T1852S.
Identifiers: ClinVar variation 2725863 (VCV002725863.1), dbSNP rs765853543, ClinGen allele CA1707444.
Genomic context (GRCh38, chr2:71,669,173, plus strand): 5'-TTTTTCCTGCGTTGTATTATCTGGAATACCAGAGATGTGATCCTGGATGACCTGAGCCTC[A>T]CGGGGGAGAAGATGAGCGACATTTATGTGAAAGGGTAGGGAGCCAGCGTCCTCTTGCCTG-3'
Protein context (NP_001124459.1, residues 1860-1880): RDVILDDLSL[Thr1870Ser]GEKMSDIYVK

ClinVar aggregate classification (germline): Uncertain significance (1 of 4 stars; one submission).

Conditions:
Neuromuscular disease caused by qualitative or quantitative defects of dysferlin. Also called: Dysferlinopathy; Qualitative or quantitative defects of dysferlin. Identifiers: Orphanet 207073, MedGen C2931687, MONDO:0016145.

Allele frequency attached by ClinVar (database versions not stated): TOPMed below 0.00001; ExAC 0.00003.
gnomAD v4.1: 4 of 1,610,616 alleles (0.00025%); highest among the groups gnomAD compares: Admixed American, 0.005%; no homozygotes.

Submission:

Labcorp Genetics (formerly Invitae), Labcorp
Classification: Uncertain significance for Neuromuscular disease caused by qualitative or quantitative defects of dysferlin. Last evaluated: 2023-02-26. Review status: criteria provided, single submitter. Criteria: Invitae Variant Classification Sherloc (09022015). Collection method: clinical testing. Allele origin: germline.
Comment: This sequence change replaces threonine, which is neutral and polar, with serine, which is neutral and polar, at codon 1831 of the DYSF protein (p.Thr1831Ser). This variant is present in population databases (rs765853543, gnomAD 0.006%). This variant has not been reported in the literature in individuals affected with DYSF-related conditions. Advanced modeling of protein sequence and biophysical properties (such as structural, functional, and spatial information, amino acid conservation, physicochemical variation, residue mobility, and thermodynamic stability) performed at Invitae indicates that this missense variant is not expected to disrupt DYSF protein function. In summary, the available evidence is currently insufficient to determine the role of this variant in disease. Therefore, it has been classified as a Variant of Uncertain Significance.